The following is an entry in ClinVar:

ClinVar aggregate classification (germline): Uncertain significance (1 of 4 stars; one submission).

Submission:

Labcorp Genetics (formerly Invitae), Labcorp
Classification: Uncertain significance. Last evaluated: 2024-11-17. Review status: criteria provided, single submitter. Criteria: Invitae Variant Classification Sherloc (09022015). Collection method: clinical testing. Allele origin: germline.
Comment: This sequence change replaces lysine, which is basic and polar, with threonine, which is neutral and polar, at codon 782 of the LZTR1 protein (p.Lys782Thr). This variant is not present in population databases (gnomAD no frequency). This variant has not been reported in the literature in individuals affected with LZTR1-related conditions. Invitae Evidence Modeling of protein sequence and biophysical properties (such as structural, functional, and spatial information, amino acid conservation, physicochemical variation, residue mobility, and thermodynamic stability) indicates that this missense variant is not expected to disrupt LZTR1 protein function with a negative predictive value of 80%. In summary, the available evidence is currently insufficient to determine the role of this variant in disease. Therefore, it has been classified as a Variant of Uncertain Significance.

NM_006767.4(LZTR1):c.2345A>C (p.Lys782Thr)

Gene: LZTR1 (leucine zipper like post translational regulator 1; plus strand). Cytogenetic location: 22q11.21.
Variant type: single nucleotide variant.
Coding change: c.2345A>C on transcript NM_006767.4 (MANE Select); coding-DNA position 2345, A replaced by C.
Protein change: p.Lys782Thr; replaces lysine 782 with threonine.
Molecular consequence: missense variant.
Genome position (GRCh38, 1-based): chr22:20,996,905, A>C. VCF-style: chr22-20996905-A-C. GRCh37 (hg19) VCF-style: chr22-21351194-A-C.
Other names: short protein forms K782T.
Identifiers: ClinVar variation 3707918 (VCV003707918.2).
Genomic context (GRCh38, chr22:20,996,905, plus strand): 5'-TGGGTGAAAGGGGCAGCGCCTCAAGGTCCCTGCCATTGCAGATCCTGGAGGCAGCTGACA[A>C]AACGCAGGCACTGGACATGAAGCGGCACTGCCTGCACATCATTGTGCACCAGTTCACCAA-3'
Protein context (NP_006758.2, residues 772-792): NVLQILEAAD[Lys782Thr]TQALDMKRHC